The following is an entry in ClinVar:

ClinVar aggregate classification (germline): Uncertain significance (1 of 4 stars; one submission).

Conditions:
Hereditary cancer-predisposing syndrome. Also called: Hereditary Cancer Syndrome; Hereditary neoplastic syndrome; Neoplastic Syndromes, Hereditary; Tumor predisposition. Identifiers: Orphanet 140162, MedGen C0027672, MeSH D009386, MONDO:0015356.

Allele frequency attached by ClinVar (database versions not stated): gnomAD exomes below 0.00001.
gnomAD v4.1: 1 of 1,614,154 alleles (0.000062%); highest among the groups gnomAD compares: Non-Finnish European, 0.000085%; no homozygotes.

Submission:

Ambry Genetics
Classification: Uncertain significance for Hereditary cancer-predisposing syndrome. Last evaluated: 2025-03-30. Review status: criteria provided, single submitter. Criteria: Ambry Variant Classification Scheme 2023. Collection method: clinical testing. Allele origin: germline.
Comment: The p.I33V variant (also known as c.97A>G), located in coding exon 1 of the RAD50 gene, results from an A to G substitution at nucleotide position 97. The isoleucine at codon 33 is replaced by valine, an amino acid with highly similar properties. This amino acid position is conserved. In addition, this alteration is predicted to be tolerated by in silico analysis. Since supporting evidence is limited at this time, the clinical significance of this alteration remains unclear.

NM_005732.4(RAD50):c.97A>G (p.Ile33Val)

Gene: RAD50 (RAD50 double strand break repair protein; plus strand). Cytogenetic location: 5q31.1.
Variant type: single nucleotide variant.
Coding change: c.97A>G on transcript NM_005732.4 (MANE Select); coding-DNA position 97, A replaced by G.
Protein change: p.Ile33Val; replaces isoleucine 33 with valine.
Molecular consequence: missense variant.
Genome position (GRCh38, 1-based): chr5:132,557,421, A>G. VCF-style: chr5-132557421-A-G. GRCh37 (hg19) VCF-style: chr5-131893113-A-G.
Other names: short protein forms I33V.
Identifiers: ClinVar variation 1768244 (VCV001768244.3), dbSNP rs2479574179, ClinGen allele CA360951630.